The following is an entry in ClinVar:

ClinVar aggregate classification (germline): Pathogenic (1 of 4 stars; one submission).

Submission:

Labcorp Genetics (formerly Invitae), Labcorp
Classification: Pathogenic. Last evaluated: 2025-09-23. Review status: criteria provided, single submitter. Criteria: Invitae Variant Classification Sherloc (09022015). Collection method: clinical testing. Allele origin: germline.
Comment: This sequence change creates a premature translational stop signal (p.Arg2585*) in the SZT2 gene. It is expected to result in an absent or disrupted protein product. Loss-of-function variants in SZT2 are known to be pathogenic (PMID: 23932106, 27248490, 28556953). This variant is not present in population databases (gnomAD no frequency). This variant has not been reported in the literature in individuals affected with SZT2-related conditions. For these reasons, this variant has been classified as Pathogenic.

Literature cited by the submitters: PubMed 23932106; PubMed 27248490; PubMed 28556953.

NM_001365999.1(SZT2):c.7924C>T (p.Arg2642Ter)

Gene: SZT2 (SZT2 subunit of KICSTOR complex; plus strand). Cytogenetic location: 1p34.2.
Variant type: single nucleotide variant.
Coding change: c.7924C>T on transcript NM_001365999.1 (MANE Select); coding-DNA position 7924, C replaced by T.
Protein change: p.Arg2642Ter; replaces arginine 2642 with a stop codon.
Molecular consequence: nonsense.
Genome position (GRCh38, 1-based): chr1:43,442,318, C>T. VCF-style: chr1-43442318-C-T. GRCh37 (hg19) VCF-style: chr1-43907989-C-T.
Other names: c.7753C>T, p.Arg2585Ter (NM_015284.4); short protein forms R2585*, R2642*.
Identifiers: ClinVar variation 4728869 (VCV004728869.1).
Genomic context (GRCh38, chr1:43,442,318, plus strand): 5'-CACCCTGTAGCTGCCAAAGCCATGCAGCGCTTCGAGCCAGGAGGTGATGGGAGCTCAGGG[C>T]GAAATGCTCCCCGGCAGAGGCTCTTGCTACTAGAGGTTGTGGACAAGAAGGTAAATATGG-3'